The following is an entry in ClinVar:

NM_015335.5(MED13L):c.5650A>C (p.Ile1884Leu)

Gene: MED13L (mediator complex subunit 13L; minus strand). Cytogenetic location: 12q24.21.
Variant type: single nucleotide variant.
Coding change: c.5650A>C on transcript NM_015335.5 (MANE Select); coding-DNA position 5650, A replaced by C.
Protein change: p.Ile1884Leu; replaces isoleucine 1884 with leucine.
Molecular consequence: missense variant.
Genome position (GRCh38, 1-based): chr12:115,975,252, T>G on the plus strand (A>C on the coding strand, the complement: MED13L is on the minus strand). VCF-style: chr12-115975252-T-G. GRCh37 (hg19) VCF-style: chr12-116413057-T-G.
Other names: short protein forms I1884L.
Identifiers: ClinVar variation 2575929 (VCV002575929.1), dbSNP rs748101708, ClinGen allele CA386878393.

ClinVar aggregate classification (germline): Likely pathogenic (1 of 4 stars; one submission).

Submission:

Institute for Clinical Genetics, University Hospital TU Dresden, University Hospital TU Dresden
Classification: Likely pathogenic. Last evaluated: 2022-11-08. Review status: criteria provided, single submitter. Criteria: ACMG Guidelines, 2015. Collection method: clinical testing. Allele origin: de novo.
Comment: PS2, PP4, PM2_SUP, PP2, BP4